The following is an entry in ClinVar:

NM_000466.3(PEX1):c.2071+1G>T

Gene: PEX1 (peroxisomal biogenesis factor 1; minus strand). Cytogenetic location: 7q21.2.
Variant type: single nucleotide variant.
Coding change: c.2071+1G>T on transcript NM_000466.3 (MANE Select); the canonical splice donor site of the intron after coding-DNA position 2071, G replaced by T.
Molecular consequence: splice donor variant. On other transcripts: intron variant (1).
Genome position (GRCh38, 1-based): chr7:92,504,731, C>A on the plus strand (G>T on the coding strand, the complement: PEX1 is on the minus strand). VCF-style: chr7-92504731-C-A. GRCh37 (hg19) VCF-style: chr7-92134045-C-A.
Other names: c.1900+1517G>T (NM_001282677.2); c.1447+1G>T (NM_001282678.2).
Identifiers: ClinVar variation 928942 (VCV000928942.13), dbSNP rs267608177, ClinGen allele CA161964536.

ClinVar aggregate classification (germline): Pathogenic/Likely pathogenic. Review status: criteria provided, multiple submitters, no conflicts (2 of 4 stars). 4 submissions from 4 submitters: Pathogenic (2); Likely pathogenic (2). Last evaluated 2025-11-02.

Conditions:
Zellweger spectrum disorders (ZS). Also called: Zellweger Spectrum Disorder; Zellweger Spectrum; Zellweger Spectrum Disorder (ZSD); Zellweger syndrome. Identifiers: Orphanet 912, MedGen C0043459, MONDO:0019609.
Heimler syndrome 1 (HMLR1). Also called: PEROXISOME BIOGENESIS DISORDER 1C. Identifiers: Orphanet 3220, MedGen C4551980, OMIM 234580, MONDO:0024544.
Peroxisome biogenesis disorder. Identifiers: Orphanet 79189, MedGen C1832200, MONDO:0019234. Disease mechanism: loss of function.

Allele frequency attached by ClinVar (database versions not stated): gnomAD exomes below 0.00001 and 0.00001; gnomAD 0.00001.
gnomAD v4.1: 8 of 1,613,766 alleles (0.0005%); highest among the groups gnomAD compares: Non-Finnish European, 0.00068%; no homozygotes.

Submissions (4):

Labcorp Genetics (formerly Invitae), Labcorp
Classification: Likely pathogenic for Zellweger spectrum disorders. Last evaluated: 2025-11-02. Review status: criteria provided, single submitter. Criteria: Invitae Variant Classification Sherloc (09022015). Collection method: clinical testing. Allele origin: germline.
Comment: This sequence change affects a donor splice site in intron 12 of the PEX1 gene. It is expected to disrupt RNA splicing. Variants that disrupt the donor or acceptor splice site typically lead to a loss of protein function (PMID: 16199547), and loss-of-function variants in PEX1 are known to be pathogenic (PMID: 21031596, 26387595, 31831025). This variant is present in population databases (rs267608177, gnomAD 0.002%). Disruption of this splice site has been observed in individual(s) with clinical features of Zellweger spectrum disorders (PMID: 11389485, 21031596). ClinVar contains an entry for this variant (Variation ID: 928942). Algorithms developed to predict the effect of sequence changes on RNA splicing suggest that this variant may disrupt the consensus splice site. In summary, the currently available evidence indicates that the variant is pathogenic, but additional data are needed to prove that conclusively. Therefore, this variant has been classified as Likely Pathogenic.

Baylor Genetics
Classification: Pathogenic for Heimler syndrome 1. Last evaluated: 2024-01-17. Review status: criteria provided, single submitter. Criteria: ACMG Guidelines, 2015. Collection method: clinical testing. Allele origin: unknown.

GeneDx
Classification: Likely pathogenic. Last evaluated: 2023-01-04. Review status: criteria provided, single submitter. Criteria: GeneDx Variant Classification Process June 2021. Collection method: clinical testing. Allele origin: germline. Affected: yes.
Comment: Canonical splice site variant expected to result in aberrant splicing, although in the absence of functional evidence the actual effect of this sequence change is unknown.; Not observed at significant frequency in large population cohorts (gnomAD); This variant is associated with the following publications: (PMID: 25525159, 11389485, 16141001, 21031596, 27469511, 28857144, 26287655)

Women's Health and Genetics/Laboratory Corporation of America, LabCorp
Classification: Pathogenic for Peroxisome biogenesis disorders, Zellweger syndrome spectrum. Last evaluated: 2019-05-31. Review status: criteria provided, single submitter. Criteria: LabCorp Variant Classification Summary - May 2015. Collection method: clinical testing. Allele origin: germline.
Comment: Variant summary: PEX1 c.2071+1G>T is located in a canonical splice-site and is predicted to affect mRNA splicing resulting in a significantly altered protein due to either exon skipping, shortening, or inclusion of intronic material. Several computational tools predict a significant impact on normal splicing: 4/5 predict the variant abolishes a 5' splicing donor site. However, these predictions have yet to be confirmed by functional studies. The variant allele was found at a frequency of 4e-06 in 250890 control chromosomes. c.2071+1G>T has been reported in the literature in multiple individuals affected with Zellweger Syndrome (Walter_2001, Ebberink_2010, Berendse_2015). These data indicate that the variant is very likely to be associated with disease. At least one publication reports experimental evidence demonstrating a reduction in PEX1 protein expression in fibroblasts cultured from an individual with this variant (Walter_2001). No clinical diagnostic laboratories have submitted clinical-significance assessments for this variant to ClinVar after 2014. Based on the evidence outlined above, the variant was classified as pathogenic.

Literature cited by the submitters: PubMed 16199547 (cited by Labcorp Genetics (formerly Invitae), Labcorp); PubMed 21031596 (cited by Labcorp Genetics (formerly Invitae), Labcorp and Women's Health and Genetics/Laboratory Corporation of America, LabCorp); PubMed 26387595 (cited by Labcorp Genetics (formerly Invitae), Labcorp); PubMed 31831025 (cited by Labcorp Genetics (formerly Invitae), Labcorp); PubMed 11389485 (cited by Labcorp Genetics (formerly Invitae), Labcorp and Women's Health and Genetics/Laboratory Corporation of America, LabCorp); PubMed 26287655 (cited by Women's Health and Genetics/Laboratory Corporation of America, LabCorp); PubMed 27469511 (cited by Women's Health and Genetics/Laboratory Corporation of America, LabCorp).